The following is an entry in ClinVar:

NM_024334.3(TMEM43):c.48A>C (p.Lys16Asn)

Gene: TMEM43 (transmembrane protein 43; plus strand). Cytogenetic location: 3p25.1.
Variant type: single nucleotide variant.
Coding change: c.48A>C on transcript NM_024334.3 (MANE Select); coding-DNA position 48, A replaced by C.
Protein change: p.Lys16Asn; replaces lysine 16 with asparagine.
Molecular consequence: missense variant.
Genome position (GRCh38, 1-based): chr3:14,129,447, A>C. VCF-style: chr3-14129447-A-C. GRCh37 (hg19) VCF-style: chr3-14170947-A-C.
Other names: short protein forms K16N.
Identifiers: ClinVar variation 924507 (VCV000924507.4), dbSNP rs1695063356, ClinGen allele CA351534228.

ClinVar aggregate classification (germline): Uncertain significance (1 of 4 stars; one submission).

Conditions:
Cardiomyopathy (CMYO). Also called: Cardiomyopathies. Identifiers: Orphanet 167848, MedGen C0878544, MONDO:0004994, HP:0001638. Inheritance: Various modes of inheritance.

Allele frequency attached by ClinVar (database versions not stated): gnomAD exomes below 0.00001.
gnomAD v4.1: 1 of 1,614,044 alleles (0.000062%); highest among the groups gnomAD compares: Non-Finnish European, 0.000085%; no homozygotes.

Submission:

Color Diagnostics, LLC DBA Color Health
Classification: Uncertain significance for Cardiomyopathy. Last evaluated: 2023-12-05. Review status: criteria provided, single submitter. Criteria: ACMG Guidelines, 2015. Collection method: clinical testing. Allele origin: germline.
Comment: This missense variant replaces lysine with asparagine at codon 16 of the TMEM43 protein. Computational prediction suggests that this variant may not impact protein structure and function (internally defined REVEL score threshold <= 0.5, PMID: 27666373). To our knowledge, functional studies have not been reported for this variant. This variant has not been reported in individuals affected with TMEM43-related disorders in the literature. This variant has not been identified in the general population by the Genome Aggregation Database (gnomAD). The available evidence is insufficient to determine the role of this variant in disease conclusively. Therefore, this variant is classified as a Variant of Uncertain Significance.